The following is an entry in ClinVar:

NM_000545.8(HNF1A):c.815G>A (p.Arg272His)

Gene: HNF1A (HNF1 homeobox A; plus strand). Cytogenetic location: 12q24.31.
Variant type: single nucleotide variant.
Coding change: c.815G>A on transcript NM_000545.8 (MANE Select); coding-DNA position 815, G replaced by A.
Protein change: p.Arg272His; replaces arginine 272 with histidine.
Molecular consequence: missense variant.
Genome position (GRCh38, 1-based): chr12:120,994,265, G>A. VCF-style: chr12-120994265-G-A. GRCh37 (hg19) VCF-style: chr12-121432068-G-A.
Other names: NM_000545.6(HNF1A):c.815G>A; p.Arg272His; c.815G>A, p.Arg272His (NM_001306179.2); short protein forms R272H.
Identifiers: ClinVar variation 14931 (VCV000014931.28), dbSNP rs137853238, ClinGen allele CA124460.
Genomic context (GRCh38, chr12:120,994,265, plus strand): 5'-AGGGGCTGGGCTCCAACCTCGTCACGGAGGTGCGTGTCTACAACTGGTTTGCCAACCGGC[G>A]CAAAGAAGAAGCCTTCCGGCACAAGCTGGCCATGGACACGTACAGCGGGCCCCCCCCAGG-3'
Protein context (NP_000536.6, residues 262-282): VRVYNWFANR[Arg272His]KEEAFRHKLA

ClinVar aggregate classification (germline): Pathogenic. Review status: reviewed by expert panel (3 of 4 stars). 14 submissions from 14 submitters: Pathogenic (1). 13 of the submissions do not count toward it. Last evaluated 2022-07-05.

Conditions:
HNF1A-related disorders.
HNF1A-related disorder. Also called: HNF1A-related condition.
Monogenic diabetes. Identifiers: Orphanet 183625, MedGen C3888631, MONDO:0015967.
Type 1 diabetes mellitus 20 (T1D20). Also called: Diabetes mellitus, insulin-dependent, 20. Identifiers: MedGen C2675866, MONDO:0012919, OMIM 612520.
Maturity-onset diabetes of the young type 3. Also called: MODY type 3; MODY, type III. Identifiers: Orphanet 552, MedGen C1838100, MeSH C563933, MONDO:0010894, OMIM 600496. Disease mechanism: loss of function.
Maturity-onset diabetes of the young (MODY). Also called: Maturity onset diabetes mellitus in young. Identifiers: Orphanet 552, MedGen C0342276, MONDO:0018911, HP:0004904.
Hepatic adenomas, familial. Also called: HEPATIC ADENOMA, SOMATIC; LIVER CELL ADENOMAS, FAMILIAL. Identifiers: MedGen C1840646, MONDO:0007718, OMIM 142330.

Submissions 1 to 9 of 14:

ClinGen Monogenic Diabetes Variant Curation Expert Panel
Classification: Pathogenic for Monogenic diabetes. Last evaluated: 2022-07-05. Review status: reviewed by expert panel. Criteria: ClinGen Diabetes ACMG Specifications v1 1. Collection method: curation. Allele origin: germline. Inheritance: Autosomal dominant inheritance.
Comment: The c.815G>A variant in the HNF1 homeobox A gene, HNF1A, causes an amino acid change of arginine to histidine at codon 272 (p.(Arg272His)) of NM_000545.8. This variant resides in an amino acid within the HNF1alpha DNA binding domain that directly binds DNA, which is defined as critical for the protein function by the ClinGen MDEP (PM1). Also, this variant is absent from gnomAD v2.1.1 (PM2_Supporting). This variant is predicted to be deleterious by computational evidence, with a REVEL score of 0.961, which is greater than the MDEP VCEP threshold of 0.70 (PP3). Additionally, this variant was identified in at least 18 unrelated individuals with non- autoimmune and non-absolute/near-absolute insulin-deficient diabetes (PS4; PMID:31166087, PMID:18003757, PMID:24905847, PMID:31483937, PMID:29439679, PMID:23610083, PMID:21989397, PMID:21395678, PMID:21224407, PMID:15114102, ClinVar ID 14931, internal lab contributors). This variant segregated with diabetes, with 13 informative meioses in multiple families with MODY (PP1_Strong; PMID:15114102, internal lab contributors). Functional studies demonstrated the p.Arg272His protein has transactivation below 40% of wildtype, indicating that this variant impacts protein function (PS3_Supporting; PMID: 16781669). In summary, c.815G>A meets the criteria to be classified as pathogenic for monogenic diabetes. ACMG/AMP criteria applied, as specified by the ClinGen MDEP (specification version 1.1, approved 9/30/2021): PP1_Strong, PS4, PM1, PP3, PM2_Supporting, PS3_Supporting.

Labcorp Genetics (formerly Invitae), Labcorp
Classification: Pathogenic. Last evaluated: 2025-09-06. Review status: criteria provided, single submitter. Criteria: Invitae Variant Classification Sherloc (09022015). Collection method: clinical testing. Allele origin: germline. Not counted in ClinVar's aggregate classification.
Comment: This sequence change replaces arginine, which is basic and polar, with histidine, which is basic and polar, at codon 272 of the HNF1A protein (p.Arg272His). This variant is not present in population databases (gnomAD no frequency). This missense change has been observed in individuals with maturity-onset diabetes of the young (MODY) (PMID: 9032114, 21823540, 29439679). It has also been observed to segregate with disease in related individuals. Invitae Evidence Modeling of clinical and family history, age, sex, and reported ancestry of multiple individuals with this HNF1A variant has been performed. This variant is expected to be pathogenic with a positive predictive value of at least 99%. This is a validated machine learning model that incorporates the clinical features of 42,750 individuals referred to our laboratory for HNF1A testing. ClinVar contains an entry for this variant (Variation ID: 14931). Invitae Evidence Modeling of protein sequence and biophysical properties (such as structural, functional, and spatial information, amino acid conservation, physicochemical variation, residue mobility, and thermodynamic stability) has been performed for this missense variant. However, the output from this modeling did not meet the statistical confidence thresholds required to predict the impact of this variant on HNF1A protein function. For these reasons, this variant has been classified as Pathogenic.

Immunogenetics and Transplant Biology Service, University Hospital "Città della Salute e della Scienza di Torino"
Classification: Pathogenic for Hepatic adenomas, familial. Last evaluated: 2025-06-28. Review status: criteria provided, single submitter. Criteria: ACMG Guidelines, 2015. Collection method: clinical testing. Allele origin: germline. Affected: yes. Not counted in ClinVar's aggregate classification.

Athena Diagnostics
Classification: Pathogenic. Last evaluated: 2023-08-23. Review status: criteria provided, single submitter. Criteria: Athena Diagnostics Criteria. Collection method: clinical testing. Allele origin: unknown. Not counted in ClinVar's aggregate classification.
Comment: This variant has been identified in multiple unrelated individuals with MODY and segregates with disease in multiple families. This variant has not been reported in large, multi-ethnic general populations. (Genome Aggregation Database (gnomAD), Cambridge, MA (URL)) At least one other missense variant at this codon is considered to be pathogenic or likely pathogenic. Assessment of experimental evidence suggests this variant results in abnormal protein function. (PMID: 10585442, 37396188) The variant is located in a region that is considered important for protein function and/or structure.

MGZ Medical Genetics Center
Classification: Pathogenic for Maturity-onset diabetes of the young type 3. Last evaluated: 2022-08-25. Review status: criteria provided, single submitter. Criteria: ACMG Guidelines, 2015. Collection method: clinical testing. Allele origin: germline. Affected: yes. Observed: 1 variant allele. Not counted in ClinVar's aggregate classification.
Comment: ACMG criteria applied: PS4, PP1_STR, PM1, PS3_SUP, PM2_SUP, PP3

GeneDx
Classification: Pathogenic. Last evaluated: 2022-02-15. Review status: criteria provided, single submitter. Criteria: GeneDx Variant Classification Process June 2021. Collection method: clinical testing. Allele origin: germline. Affected: yes. Not counted in ClinVar's aggregate classification.
Comment: Published functional studies demonstrate normal expression level and mobility, but reduced DNA binding and decreased transactivation activity compared to wild-type (Vaxillaire et al., 1999); Not observed at significant frequency in large population cohorts (gnomAD); In silico analysis supports that this missense variant has a deleterious effect on protein structure/function; This variant is associated with the following publications: (PMID: 9313763, 27077911, 21823540, 28410371, 15114102, 31483937, 9166684, 9032114, 26431509, 29439679, 29207974, 31960584, 33242514, 23610083, 12453420, 18003757, 19150152, 10333057, 11719843, 10585442)

Genetic Services Laboratory, University of Chicago
Classification: Pathogenic. Last evaluated: 2021-03-29. Review status: criteria provided, single submitter. Criteria: ACMG Guidelines, 2015. Collection method: clinical testing. Allele origin: germline. Affected: yes. Not counted in ClinVar's aggregate classification.

Blueprint Genetics
Classification: Pathogenic for HNF1A-related disorders. Last evaluated: 2019-11-06. Review status: criteria provided, single submitter. Criteria: ACMG Guidelines, 2015. Collection method: clinical testing. Allele origin: germline. Affected: yes. Observed: 2 variant alleles. Not counted in ClinVar's aggregate classification.

Ambry Genetics
Classification: Pathogenic for Maturity-onset diabetes of the young. Last evaluated: 2019-03-09. Review status: criteria provided, single submitter. Criteria: Ambry Variant Classification Scheme 2023. Collection method: clinical testing. Allele origin: germline. Not counted in ClinVar's aggregate classification.
Comment: The p.R272H pathogenic mutation (also known as c.815G>A), located in coding exon 4 of the HNF1A gene, results from a G to A substitution at nucleotide position 815. The arginine at codon 272 is replaced by histidine, an amino acid with highly similar properties. This variant has been described in multiple patients and families with a MODY diagnosis (Klupa T et al. Diabetes Care, 2002 Dec;25:2292-301; Pruhova S et al. Diabetologia, 2003 Feb;46:291-5; McDonald TJ et al. Diabet. Med., 2011 Sep;28:1028-33) and has segregated with disease in multiple families (Rozenkova K et al. J. Clin. Endocrinol. Metab., 2015 Dec;100:E1540-9; Dus&aacute;tkov&aacute; P et al. J. Pediatr. Endocrinol. Metab., 2011;24:377-9; Glucksmann MA et al. Diabetes, 1997 Jun;46:1081-6). One report included an individual heterozygous for this alteration who developed diabetic ketoacidosis due to poor control and dehydration. (Pruhova S et al. Diabetes Care, 2013 Sep;36:2573-4). In addition, alterations at the same codon (p.R272C and p.R272S) have been reported in MODY families (Colclough K, Hum. Mutat. 2013 May; 34(5):669-85). Based on internal structural analysis, this variant may modestly disrupt an important non-specific protein-DNA interaction (Chi YI et al. Mol. Cell, 2002 Nov;10:1129-37). Based on the supporting evidence, this alteration is interpreted as a disease-causing mutation.